The following is an entry in ClinVar:

ClinVar aggregate classification (germline): Likely benign (0 of 4 stars; one submission).

Conditions:
SPTBN1-related disorder. Also called: SPTBN1-related condition.

gnomAD v4.1: 253 of 1,612,108 alleles (0.016%); highest among the groups gnomAD compares: Middle Eastern, 0.099%; no homozygotes.

Submission:

PreventionGenetics, part of Exact Sciences
Classification: Likely benign for SPTBN1-related condition. Last evaluated: 2024-03-28. Review status: no assertion criteria provided. Collection method: clinical testing. Allele origin: germline.
Comment: This variant is classified as likely benign based on ACMG/AMP sequence variant interpretation guidelines (Richards et al. 2015 PMID: 25741868, with internal and published modifications).

NM_003128.3(SPTBN1):c.148+32331C>A

Gene: SPTBN1 (spectrin beta, non-erythrocytic 1; plus strand). Cytogenetic location: 2p16.2.
Variant type: single nucleotide variant.
Coding change: c.148+32331C>A on transcript NM_003128.3 (MANE Select); 32331 bases into the intron after coding-DNA position 148, C replaced by A.
Molecular consequence: intron variant.
Genome position (GRCh38, 1-based): chr2:54,558,897, C>A. VCF-style: chr2-54558897-C-A. GRCh37 (hg19) VCF-style: chr2-54786034-C-A.
Other names: c.109+10C>A (NM_178313.3).
Identifiers: ClinVar variation 3349082 (VCV003349082.1).
Genomic context (GRCh38, chr2:54,558,897, plus strand): 5'-AGGTGCCTTACAACTACAACCAGCTGGAAGGCAGATTCAAGCAGCTGCAAGGTAAGCCCC[C>A]TCCCAAAGGCCGGGCCTGTCCTGGGTGCCAACGGGGGTTCTTGGAGGCTTTATTTGTGAC-3'